The following is an entry in ClinVar:

ClinVar aggregate classification (germline): Likely pathogenic (1 of 4 stars; one submission).

Conditions:
Microcephaly, normal intelligence and immunodeficiency (NBS). Also called: Ataxia telangiectasia variant V1; IMMUNODEFICIENCY, MICROCEPHALY, AND CHROMOSOMAL INSTABILITY; SEEMANOVA SYNDROME II; Immunodeficiency, microcephaly with normal intelligence; Nijmegen breakage syndrome; Microcephaly with normal intelligence immunodeficiency and lymphoreticular malignancies. Identifiers: Orphanet 647, MedGen C0398791, MONDO:0009623, OMIM 251260.

Submission:

Myriad Genetics, Inc.
Classification: Likely pathogenic for Microcephaly, normal intelligence and immunodeficiency. Last evaluated: 2022-03-02. Review status: criteria provided, single submitter. Criteria: Myriad Women's Health Autosomal Recessive and X-Linked Classification Criteria (2021). Collection method: clinical testing. Allele origin: unknown.
Comment: NM_002485.4(NBN):c.47_51del5(Y16Sfs*6) is expected to be pathogenic in the context of Nijmegen breakage syndrome. This variant is predicted to lead to an abnormal or absent protein product due to the creation of a premature termination codon in NBN, a gene where loss-of-function variants are known to be pathogenic. Please note: this variant was assessed in the context of healthy population screening.

NM_002485.5(NBN):c.47_51del (p.Tyr16fs)

Gene: NBN (nibrin; minus strand). Cytogenetic location: 8q21.3.
Variant type: Deletion.
Coding change: c.47_51del on transcript NM_002485.5 (MANE Select); coding-DNA positions 47 to 51, 5 bases deleted (ACAGA; older notation c.47_51delACAGA).
Protein change: p.Tyr16fs; shifts the reading frame from tyrosine 16.
Molecular consequence: frameshift variant. On other transcripts: 5 prime UTR variant (1).
Genome position (GRCh38, 1-based): chr8:89,982,842-89,982,846, TCTGT deleted on the plus strand (ACAGA on the coding strand, the reverse complement: NBN is on the minus strand). VCF-style (leftmost placement, unchanged base first): chr8-89982841-GTCTGT-G. GRCh37 (hg19) VCF-style: chr8-90995069-GTCTGT-G.
Other names: c.-250_-246del (NM_001024688.3); short protein forms Y16fs.
Identifiers: ClinVar variation 1724906 (VCV001724906.2), dbSNP rs2488369850, ClinGen allele CA2580079445.